The following is an entry in ClinVar:

NM_000350.3(ABCA4):c.967del (p.Leu323fs)

Gene: ABCA4 (ATP binding cassette subfamily A member 4; minus strand). Cytogenetic location: 1p22.1.
Variant type: Deletion.
Coding change: c.967del on transcript NM_000350.3 (MANE Select); coding-DNA position 967, one base deleted (C; older notation c.967delC).
Protein change: p.Leu323fs; shifts the reading frame from leucine 323.
Molecular consequence: frameshift variant.
Genome position (GRCh38, 1-based): chr1:94,080,610, G deleted on the plus strand (C on the coding strand, the reverse complement: ABCA4 is on the minus strand); the first of 2 consecutive G bases (chr1:94,080,610-94,080,611); deleting either gives the same sequence. VCF-style (leftmost placement, unchanged base first): chr1-94080609-AG-A. GRCh37 (hg19) VCF-style: chr1-94546165-AG-A.
Other names: c.966delC, p.Leu323Cysfs (NM_001425324.1); short protein forms L323fs.
Identifiers: ClinVar variation 871574 (VCV000871574.41), dbSNP rs1661666701, ClinGen allele CA645372163.
Genomic context (GRCh38, chr1:94,080,609, plus strand): 5'-TTGTCTTCATACCAGTTGAAGGAGAGCACCCGAGAGCCACCTCCCTCGGGGTAGCCACAC[AG>A]GAGGTCAGACAGGATGCCCATCAGCTTTGTAAAGGTCTCTGGACCACCATTCTGCATGAG-3'

ClinVar aggregate classification (germline): Pathogenic. Review status: criteria provided, multiple submitters, no conflicts (2 of 4 stars). 2 submissions from 2 submitters: Pathogenic (2). Last evaluated 2024-10-01.

Conditions:
Stargardt disease (FFM). Also called: Fundus flavimaculatus; Stargardt's disease. Identifiers: Orphanet 827, MedGen C0271093, MONDO:0019353.

Submissions (2):

Lab De Baere, Eye and Developmental Genetics Lab, Ghent University
Classification: Pathogenic for Stargardt disease. Last evaluated: 2024-10-01. Review status: criteria provided, single submitter. Criteria: ACMG Guidelines, 2015. Collection method: research. Allele origin: inherited. Affected: yes. Observed: 1 variant allele.
Comment: ACMG/AMP guidelines: PM2, PP4_PP, PP5, PVS1, PM3_1

CeGaT Center for Human Genetics Tuebingen
Classification: Pathogenic. Last evaluated: 2017-05-01. Review status: criteria provided, single submitter. Criteria: CeGaT Center For Human Genetics Tuebingen Variant Classification Criteria Version 2. Collection method: clinical testing. Allele origin: germline. Affected: yes. Observed: 1 variant allele.